The following is an entry in ClinVar:

NM_000020.3(ACVRL1):c.830C>A (p.Thr277Lys)

Gene: ACVRL1 (activin A receptor like type 1; plus strand). Cytogenetic location: 12q13.13.
Variant type: single nucleotide variant.
Coding change: c.830C>A on transcript NM_000020.3 (MANE Select); coding-DNA position 830, C replaced by A.
Protein change: p.Thr277Lys; replaces threonine 277 with lysine.
Molecular consequence: missense variant.
Genome position (GRCh38, 1-based): chr12:51,915,282, C>A. VCF-style: chr12-51915282-C-A. GRCh37 (hg19) VCF-style: chr12-52309066-C-A.
Other names: c.830C>A, p.Thr277Lys (NM_001077401.2); short protein forms T277K.
Identifiers: ClinVar variation 941644 (VCV000941644.16), dbSNP rs750085854, ClinGen allele CA384900472.

ClinVar aggregate classification (germline): Pathogenic/Likely pathogenic. Review status: criteria provided, multiple submitters, no conflicts (2 of 4 stars). 6 submissions from 6 submitters: Pathogenic (3); Likely pathogenic (3). Last evaluated 2025-12-08.

Conditions:
Telangiectasia, hereditary hemorrhagic, type 2 (HHT2). Also called: Telangiectasia, hereditary hemorrhagic, type II; ACVRL1-Related Hereditary Hemorrhagic Telangiectasia. Identifiers: Orphanet 774, MedGen C1838163, MONDO:0010880, OMIM 600376. Disease mechanism: loss of function.
ACVRL1-related disorder. Also called: ACVRL1-related disorders; ACVRL1-related condition.
Cardiovascular phenotype. Identifiers: MedGen CN230736.

Submissions (6):

Labcorp Genetics (formerly Invitae), Labcorp
Classification: Pathogenic for Telangiectasia, hereditary hemorrhagic, type 2. Last evaluated: 2025-12-08. Review status: criteria provided, single submitter. Criteria: Invitae Variant Classification Sherloc (09022015). Collection method: clinical testing. Allele origin: germline.
Comment: This sequence change replaces threonine, which is neutral and polar, with lysine, which is basic and polar, at codon 277 of the ACVRL1 protein (p.Thr277Lys). This variant is not present in population databases (gnomAD no frequency). This missense change has been observed in individuals with clinical features of hereditary hemorrhagic telangiectasia (PMID: 20414677, 25970827; internal data). ClinVar contains an entry for this variant (Variation ID: 941644). Invitae Evidence Modeling of protein sequence and biophysical properties (such as structural, functional, and spatial information, amino acid conservation, physicochemical variation, residue mobility, and thermodynamic stability) indicates that this missense variant is expected to disrupt ACVRL1 protein function with a positive predictive value of 95%. For these reasons, this variant has been classified as Pathogenic.

Fulgent Genetics
Classification: Likely pathogenic for Telangiectasia, hereditary hemorrhagic, type 2. Last evaluated: 2024-01-06. Review status: criteria provided, single submitter. Criteria: ACMG Guidelines, 2015. Collection method: clinical testing. Allele origin: germline.

PreventionGenetics, part of Exact Sciences
Classification: Pathogenic for ACVRL1-related condition. Last evaluated: 2023-01-09. Review status: criteria provided, single submitter. Criteria: ACMG Guidelines, 2015. Collection method: clinical testing. Allele origin: germline.
Comment: The ACVRL1 c.830C>A variant is predicted to result in the amino acid substitution p.Thr277Lys. This variant has been reported in individuals with hereditary hemorrhagic telangiectasia (HHT) (Richards-Yutz et al. 2010. PubMed ID: 20414677; Heimdal et al. 2016. PubMed ID: 25970827; Supplementary Table 1A in Shovlin et al. 2020. PubMed ID: 32573726), and is considered to be a common founder variant in the South-Eastern Norway population (Heimdal et al. 2016. PubMed ID: 25970827). This variant has not been reported in a large population database, indicating this variant is rare. This variant is interpreted as pathogenic.

Mayo Clinic Laboratories, Mayo Clinic
Classification: Pathogenic. Last evaluated: 2020-02-12. Review status: criteria provided, single submitter. Criteria: ACMG Guidelines, 2015. Collection method: clinical testing. Allele origin: germline. Observed: 1 variant allele.
Comment: PS4, PM2, PP3, PP1

NIHR Bioresource Rare Diseases, University of Cambridge
Classification: Likely pathogenic for Telangiectasia, hereditary hemorrhagic, type 2. Last evaluated: 2018-01-01. Review status: criteria provided, single submitter. Criteria: ACMG Guidelines, 2015. Collection method: research. Allele origin: unknown. Affected: yes. Observed: 1 variant allele.
Comment: PM2+PM1+PP4

Ambry Genetics
Classification: Likely pathogenic for Cardiovascular phenotype. Last evaluated: 2015-09-30. Review status: criteria provided, single submitter. Criteria: Ambry Variant Classification Scheme 2023. Collection method: clinical testing. Allele origin: germline.
Comment: The p.T277K variant (also known as c.830C>A), located in coding exon 6 of the ACVRL1 gene, results from a C to A substitution at nucleotide position 830. The threonine at codon 277 is replaced by lysine, an amino acid with similar properties. In Norwegian cohort, this variant was reported to co-segregate with disease and is described as a probable founder mutation in that population (Heimdal K et al. Clin. Genet. 2015). This variant was not reported in population based cohorts in the following databases: Database of Single Nucleotide Polymorphisms (dbSNP), NHLBI Exome Sequencing Project (ESP), and 1000 Genomes Project. In the ESP, this variant was not observed in 6503 samples (13006 alleles) with coverage at this position. This amino acid position is highly conserved in available vertebrate species. Based on the majority of available evidence to date, this variant is likely to be pathogenic.

Literature cited by the submitters: PubMed 20414677 (cited by Labcorp Genetics (formerly Invitae), Labcorp and Mayo Clinic Laboratories, Mayo Clinic); PubMed 25970827 (cited by 3 submitters); PubMed 22991266 (cited by Mayo Clinic Laboratories, Mayo Clinic); PubMed 32573726 (cited by NIHR Bioresource Rare Diseases, University of Cambridge).